The following is an entry in ClinVar:

NM_015192.4(PLCB1):c.2155del (p.Gln719fs)

Gene: PLCB1 (phospholipase C beta 1; plus strand). Cytogenetic location: 20p12.3.
Variant type: Deletion.
Coding change: c.2155del on transcript NM_015192.4 (MANE Select); coding-DNA position 2155, one base deleted (C; older notation c.2155delC).
Protein change: p.Gln719fs; shifts the reading frame from glutamine 719.
Molecular consequence: frameshift variant.
Genome position (GRCh38, 1-based): chr20:8,737,139, C deleted; the last of 3 consecutive C bases (chr20:8,737,137-8,737,139); deleting any one gives the same sequence. VCF-style (leftmost placement, unchanged base first): chr20-8737136-TC-T. GRCh37 (hg19) VCF-style: chr20-8717783-TC-T.
Other names: c.2155del, p.Gln719fs (NM_182734.3); short protein forms Q719fs.
Identifiers: ClinVar variation 2097870 (VCV002097870.4), dbSNP rs2515299378, ClinGen allele CA2580098027.
Genomic context (GRCh38, chr20:8,737,136, plus strand): 5'-GAAGTAGATATGTTTGGTTTGCCTGTGGATACAAGGAGGAAGGCATTTAAGACCAAAACA[TC>T]CCAAGGAAATGCTGTGAATCCTGTCTGGGAAGAAGAACCTATTGTGTTCAAAAAGGTTGG-3'

ClinVar aggregate classification (germline): Pathogenic (1 of 4 stars; one submission).

Conditions:
Developmental and epileptic encephalopathy, 12 (DEE12). Identifiers: MedGen C3150988, MONDO:0013389, OMIM 613722.

Submission:

Labcorp Genetics (formerly Invitae), Labcorp
Classification: Pathogenic for Developmental and epileptic encephalopathy, 12. Last evaluated: 2022-02-17. Review status: criteria provided, single submitter. Criteria: Invitae Variant Classification Sherloc (09022015). Collection method: clinical testing. Allele origin: germline.
Comment: For these reasons, this variant has been classified as Pathogenic. Algorithms developed to predict the effect of sequence changes on RNA splicing suggest that this variant is not likely to affect RNA splicing. This variant has not been reported in the literature in individuals affected with PLCB1-related conditions. This variant is not present in population databases (gnomAD no frequency). This sequence change creates a premature translational stop signal (p.Gln719Lysfs*5) in the PLCB1 gene. It is expected to result in an absent or disrupted protein product. Loss-of-function variants in PLCB1 are known to be pathogenic (PMID: 24684524).

Literature cited by the submitters: PubMed 24684524.